The following is an entry in ClinVar:

NM_002691.4(POLD1):c.-1-4G>C

Gene: POLD1 (DNA polymerase delta 1, catalytic subunit; plus strand). Cytogenetic location: 19q13.33.
Variant type: single nucleotide variant.
Coding change: c.-1-4G>C on transcript NM_002691.4 (MANE Select); 4 bases into the intron before 1 bases upstream of the start codon, G replaced by C.
Molecular consequence: intron variant. On other transcripts: splice acceptor variant (1).
Genome position (GRCh38, 1-based): chr19:50,398,847, G>C. VCF-style: chr19-50398847-G-C. GRCh37 (hg19) VCF-style: chr19-50902104-G-C.
Other names: c.-1-4G>C (NM_002691.2); c.-4-1G>C (NM_001256849.1).
Identifiers: ClinVar variation 387895 (VCV000387895.2), dbSNP rs758020735, ClinGen allele CA9595579.

ClinVar aggregate classification (germline): Likely benign. Review status: criteria provided, multiple submitters, no conflicts (2 of 4 stars). 2 submissions from 2 submitters: Likely benign (2). Last evaluated 2025-01-16.

Conditions:
Hereditary cancer-predisposing syndrome. Also called: Hereditary Cancer Syndrome; Hereditary neoplastic syndrome; Neoplastic Syndromes, Hereditary; Tumor predisposition. Identifiers: Orphanet 140162, MedGen C0027672, MeSH D009386, MONDO:0015356.

Allele frequency attached by ClinVar (database versions not stated): gnomAD exomes below 0.00001; ExAC 0.00001; gnomAD 0.00002 and 0.00003; TOPMed 0.00004.
gnomAD v4.1: 7 of 1,607,968 alleles (0.00044%); highest among the groups gnomAD compares: African/African-American, 0.0094%; no homozygotes.

Submissions (2):

Ambry Genetics
Classification: Likely benign for Hereditary cancer-predisposing syndrome. Last evaluated: 2025-01-16. Review status: criteria provided, single submitter. Criteria: Ambry Variant Classification Scheme 2023. Collection method: clinical testing. Allele origin: germline.

GeneDx
Classification: Likely benign. Last evaluated: 2016-11-22. Review status: criteria provided, single submitter. Criteria: GeneDx Variant Classification (06012015). Collection method: clinical testing. Allele origin: germline. Affected: yes.
Comment: This variant is considered likely benign or benign based on one or more of the following criteria: it is a conservative change, it occurs at a poorly conserved position in the protein, it is predicted to be benign by multiple in silico algorithms, and/or has population frequency not consistent with disease.